The following is an entry in ClinVar:

NM_000089.4(COL1A2):c.1504G>A (p.Gly502Ser)

Gene: COL1A2 (collagen type I alpha 2 chain; plus strand). Cytogenetic location: 7q21.3.
Variant type: single nucleotide variant.
Coding change: c.1504G>A on transcript NM_000089.4 (MANE Select); coding-DNA position 1504, G replaced by A.
Protein change: p.Gly502Ser; replaces glycine 502 with serine.
Molecular consequence: missense variant.
Genome position (GRCh38, 1-based): chr7:94,413,083, G>A. VCF-style: chr7-94413083-G-A. GRCh37 (hg19) VCF-style: chr7-94042395-G-A.
Other names: short protein forms G502S.
Identifiers: ClinVar variation 17262 (VCV000017262.6), dbSNP rs121912910, ClinGen allele CA257783.
Genomic context (GRCh38, chr7:94,413,083, plus strand): 5'-GTTAATTTGACATTAAATGTGCAAAGCTGTTCTTTGTTTTGTTTTTCATTTTTACTCTAG[G>A]GTGATCCTGGCAAAAACGGTGATAAAGGTCATGCTGGTCTTGCTGGTGCTCGGGTAGGTG-3'
Protein context (NP_000080.2, residues 492-512): IGFPGPKGPT[Gly502Ser]DPGKNGDKGH

ClinVar aggregate classification (germline): Likely pathogenic. Review status: criteria provided, single submitter (1 of 4 stars). 2 submissions from 2 submitters: Likely pathogenic (1). 1 of the submissions does not count toward it. Last evaluated 2023-10-06.

Conditions:
Ehlers-Danlos syndrome, classic type, 1 (EDSCL1). Also called: Ehlers-Danlos Syndrome, Classic Type, COL5A1-Related; EDS I; Ehlers-Danlos syndrome, type 1; EHLERS-DANLOS SYNDROME, GRAVIS TYPE; EHLERS-DANLOS SYNDROME, SEVERE CLASSIC TYPE. Identifiers: MedGen C0268335, MONDO:0019567, OMIM 130000.
Osteogenesis imperfecta type I (OI1). Also called: Lobstein disease; Classic Non-deforming Osteogenesis Imperfecta with Blue Sclerae; OI, TYPE I; OSTEOGENESIS IMPERFECTA TARDA; OSTEOGENESIS IMPERFECTA WITH BLUE SCLERAE; Osteogenesis imperfecta type 1. Identifiers: Orphanet 216796, Orphanet 666, MedGen C0023931, MONDO:0008146, OMIM 166200. Disease mechanism: loss of function.
Osteogenesis imperfecta, perinatal lethal (OI2). Also called: VROLIK TYPE OF OSTEOGENESIS IMPERFECTA; OSTEOGENESIS IMPERFECTA, TYPE II; OI, TYPE II; OSTEOGENESIS IMPERFECTA CONGENITA; Osteogenesis imperfecta type 2; Osteogenesis imperfecta, dominant perinatal lethal. Identifiers: Orphanet 216804, MedGen C0268358, MONDO:0008147, OMIM 166210.

Submissions (2):

Labcorp Genetics (formerly Invitae), Labcorp
Classification: Likely pathogenic for Osteogenesis imperfecta type I; Ehlers-Danlos syndrome, classic type, 1. Last evaluated: 2023-10-06. Review status: criteria provided, single submitter. Criteria: Invitae Variant Classification Sherloc (09022015). Collection method: clinical testing. Allele origin: germline.
Comment: This sequence change replaces glycine, which is neutral and non-polar, with serine, which is neutral and polar, at codon 502 of the COL1A2 protein (p.Gly502Ser). This variant is not present in population databases (gnomAD no frequency). This variant has not been reported in the literature in individuals affected with COL1A2-related conditions. ClinVar contains an entry for this variant (Variation ID: 17262). Experimental studies and prediction algorithms are not available or were not evaluated, and the functional significance of this variant is currently unknown. This variant disrupts the triple helix domain of COL1A2. Glycine residues within the Gly-Xaa-Yaa repeats of the triple helix domain are required for the structure and stability of fibrillar collagens (PMID: 7695699, 8218237, 19344236). In COL1A2, variants affecting these glycine residues are significantly enriched in individuals with disease (PMID: 9016532, 17078022) compared to the general population (ExAC). In summary, the currently available evidence indicates that the variant is pathogenic, but additional data are needed to prove that conclusively. Therefore, this variant has been classified as Likely Pathogenic.

OMIM
Classification: Pathogenic for OSTEOGENESIS IMPERFECTA, TYPE II. Last evaluated: 1994-11-01. Review status: no assertion criteria provided. Collection method: literature only. Allele origin: germline. Not counted in ClinVar's aggregate classification.

Literature cited by the submitters: PubMed 7695699 (cited by Labcorp Genetics (formerly Invitae), Labcorp); PubMed 8218237 (cited by Labcorp Genetics (formerly Invitae), Labcorp); PubMed 19344236 (cited by Labcorp Genetics (formerly Invitae), Labcorp); PubMed 9016532 (cited by Labcorp Genetics (formerly Invitae), Labcorp); PubMed 17078022 (cited by Labcorp Genetics (formerly Invitae), Labcorp); PubMed 7959683 (cited by OMIM); Steinmann, B., Rao, V. H., Gitzelmann, R. A structurally abnormal alpha-2(I) collagen chain in a further patient with the Ehlers-Danlos syndrome type VII. Ann. N.Y. Acad. Sci. 460: 506-509, 1985. (cited by OMIM).